The following is an entry in ClinVar:

ClinVar aggregate classification (germline): Uncertain significance (1 of 4 stars; one submission).

Submission:

Quest Diagnostics Nichols Institute San Juan Capistrano
Classification: Uncertain significance. Last evaluated: 2023-06-13. Review status: criteria provided, single submitter. Criteria: Quest Diagnostics criteria. Collection method: clinical testing. Allele origin: unknown.
Comment: The HBB c.-106G>A variant is located in the 5'-untranslated region of the beta globin mRNA. To the best of our knowledge, this variant has not been reported in the published literature. It also has not been reported in large, multi-ethnic general populations (Genome Aggregation Database). A different nucleotide substitution at this position, c.-106G>C, has been reported in the homozygous state in an individual with minor beta(+)-thalassemia (PMID: 25754248 (2015)), but as a silent variant when in combination with Hb S or another beta(0)-thalassemia variant (PMID: 29157184 (2017)). Based on the available information, the c.-106G>A variant is classified as a variant of uncertain significance.

NM_000518.4(HBB):c.-106G>A

Genes: HBB (hemoglobin subunit beta; minus strand), LOC106099062 (HBB recombination region; plus strand), LOC107133510 (origin of replication at HBB; plus strand). Cytogenetic location: 11p15.4.
Variant type: single nucleotide variant.
Coding change: c.-106G>A on transcript NM_000518.4; 106 bases upstream of the start codon, G replaced by A.
Genome position (GRCh38, 1-based): chr11:5,227,127, C>T on the plus strand (G>A on the coding strand, the complement: HBB is on the minus strand). VCF-style: chr11-5227127-C-T. GRCh37 (hg19) VCF-style: chr11-5248357-C-T.
Identifiers: ClinVar variation 2681975 (VCV002681975.1), dbSNP rs63750681, ClinGen allele CA2579829238.